The following is an entry in ClinVar:

NM_002292.4(LAMB2):c.4033C>T (p.Arg1345Cys)

Gene: LAMB2 (laminin subunit beta 2; minus strand). Cytogenetic location: 3p21.31.
Variant type: single nucleotide variant.
Coding change: c.4033C>T on transcript NM_002292.4 (MANE Select); coding-DNA position 4033, C replaced by T.
Protein change: p.Arg1345Cys; replaces arginine 1345 with cysteine.
Molecular consequence: missense variant.
Genome position (GRCh38, 1-based): chr3:49,123,323, G>A on the plus strand (C>T on the coding strand, the complement: LAMB2 is on the minus strand). VCF-style: chr3-49123323-G-A. GRCh37 (hg19) VCF-style: chr3-49160756-G-A.
Other names: c.4033C>T (NM_002292.3); short protein forms R1345C.
Identifiers: ClinVar variation 1350662 (VCV001350662.7), dbSNP rs775469931, ClinGen allele CA2393886.
Genomic context (GRCh38, chr3:49,123,323, plus strand): 5'-GAGCACTTGCCGAGTTGCTCACAGGGCTAGGTACTGCCAGGGCTGAGGTATTGGCACGAC[G>A]TTCTGCCTCTGCAGACTGGCTATGGGCATGCCGGATGCTGTCATAGGCACCTAAATTGGG-3'
Protein context (NP_002283.3, residues 1335-1355): HAHSQSAEAE[Arg1345Cys]RANTSALAVP

ClinVar aggregate classification (germline): Conflicting classifications of pathogenicity. Review status: criteria provided, conflicting classifications (1 of 4 stars). 3 submissions from 3 submitters: Uncertain significance (2); Likely benign (1). Last evaluated 2024-09-20.

Conditions:
Inborn genetic diseases. Identifiers: MedGen C0950123, MeSH D030342.
Pierson syndrome. Also called: MICROCORIA-CONGENITAL NEPHROTIC SYNDROME. Identifiers: Orphanet 2670, MedGen C1836876, MONDO:0012184, OMIM 609049.
LAMB2-related infantile-onset nephrotic syndrome. Also called: NEPHROTIC SYNDROME, TYPE 5, WITHOUT OCULAR ABNORMALITIES; NEPHROTIC SYNDROME, TYPE 5, WITH OCULAR ABNORMALITIES; Nephrotic Syndrome, type 5. Identifiers: Orphanet 306507, MedGen C3280113, MONDO:0013621, OMIM 614199.

Allele frequency attached by ClinVar (database versions not stated): TOPMed below 0.00001; ExAC 0.00001; gnomAD exomes 0.00001.
gnomAD v4.1: 10 of 1,614,062 alleles (0.00062%); highest among the groups gnomAD compares: African/African-American, 0.0013%; no homozygotes.

Submissions (3):

3billion
Classification: Likely benign for LAMB2-related infantile-onset nephrotic syndrome; Pierson syndrome. Last evaluated: 2024-09-20. Review status: criteria provided, single submitter. Criteria: ACMG Guidelines, 2015. Collection method: clinical testing. Allele origin: germline. Affected: no.
Comment: The homozygous variant was found in patients diagnosed with another variant in a different gene, with no symptoms related to the gene containing the homozygous variant.

Labcorp Genetics (formerly Invitae), Labcorp
Classification: Uncertain significance for LAMB2-related infantile-onset nephrotic syndrome; Pierson syndrome. Last evaluated: 2024-02-17. Review status: criteria provided, single submitter. Criteria: Invitae Variant Classification Sherloc (09022015). Collection method: clinical testing. Allele origin: germline.
Comment: This sequence change replaces arginine, which is basic and polar, with cysteine, which is neutral and slightly polar, at codon 1345 of the LAMB2 protein (p.Arg1345Cys). This variant is present in population databases (rs775469931, gnomAD 0.0009%). This variant has not been reported in the literature in individuals affected with LAMB2-related conditions. ClinVar contains an entry for this variant (Variation ID: 1350662). An algorithm developed to predict the effect of missense changes on protein structure and function (PolyPhen-2) suggests that this variant is likely to be disruptive. In summary, the available evidence is currently insufficient to determine the role of this variant in disease. Therefore, it has been classified as a Variant of Uncertain Significance.

Ambry Genetics
Classification: Uncertain significance for Inborn genetic diseases. Last evaluated: 2023-12-14. Review status: criteria provided, single submitter. Criteria: Ambry Variant Classification Scheme 2023. Collection method: clinical testing. Allele origin: germline.